The following is an entry in ClinVar:

ClinVar aggregate classification (germline): Uncertain significance (1 of 4 stars; one submission).

Conditions:
Tuberous sclerosis 2 (TSC2). Identifiers: Orphanet 805, MedGen C1860707, MONDO:0013199, OMIM 613254.

Allele frequency attached by ClinVar (database versions not stated): gnomAD exomes 0.00001.
gnomAD v4.1: 7 of 1,600,222 alleles (0.00044%); highest among the groups gnomAD compares: Non-Finnish European, 0.00059%; no homozygotes.

Submission:

Labcorp Genetics (formerly Invitae), Labcorp
Classification: Uncertain significance for Tuberous sclerosis 2. Last evaluated: 2024-04-10. Review status: criteria provided, single submitter. Criteria: Invitae Variant Classification Sherloc (09022015). Collection method: clinical testing. Allele origin: germline.
Comment: This sequence change replaces glycine, which is neutral and non-polar, with valine, which is neutral and non-polar, at codon 1472 of the TSC2 protein (p.Gly1472Val). This variant is not present in population databases (gnomAD no frequency). This variant has not been reported in the literature in individuals affected with TSC2-related conditions. ClinVar contains an entry for this variant (Variation ID: 1038017). Advanced modeling of protein sequence and biophysical properties (such as structural, functional, and spatial information, amino acid conservation, physicochemical variation, residue mobility, and thermodynamic stability) performed at Invitae indicates that this missense variant is not expected to disrupt TSC2 protein function with a negative predictive value of 95%. In summary, the available evidence is currently insufficient to determine the role of this variant in disease. Therefore, it has been classified as a Variant of Uncertain Significance.

NM_000548.5(TSC2):c.4415G>T (p.Gly1472Val)

Gene: TSC2 (TSC complex subunit 2; plus strand). Cytogenetic location: 16p13.3.
Variant type: single nucleotide variant.
Coding change: c.4415G>T on transcript NM_000548.5 (MANE Select); coding-DNA position 4415, G replaced by T.
Protein change: p.Gly1472Val; replaces glycine 1472 with valine.
Molecular consequence: missense variant.
Genome position (GRCh38, 1-based): chr16:2,084,637, G>T. VCF-style: chr16-2084637-G-T. GRCh37 (hg19) VCF-style: chr16-2134638-G-T.
Other names: c.4214G>T, p.Gly1405Val (NM_001077183.3); c.4346G>T, p.Gly1449Val (NM_001114382.3); c.4106G>T, p.Gly1369Val (NM_001318827.2); c.4070G>T, p.Gly1357Val (NM_001318829.2); c.3683G>T, p.Gly1228Val (NM_001318831.2); c.4247G>T, p.Gly1416Val (NM_001318832.2); c.4217G>T, p.Gly1406Val (NM_001363528.2); c.4283G>T, p.Gly1428Val (NM_001370404.1); and 1 more; short protein forms G1369V, G1405V, G1406V, G1416V, G1429V, G1449V, G1228V, G1428V.
Identifiers: ClinVar variation 1038017 (VCV001038017.8), dbSNP rs2090534118, ClinGen allele CA394302113.